The following is an entry in ClinVar:

ClinVar aggregate classification (germline): Uncertain significance. Review status: criteria provided, multiple submitters, no conflicts (2 of 4 stars). 2 submissions from 2 submitters: Uncertain significance (2). Last evaluated 2025-10-02.

Conditions:
Inborn genetic diseases. Identifiers: MedGen C0950123, MeSH D030342.
Leukocyte adhesion deficiency 1 (LAD1). Also called: LAD 1; Lymphocyte function-associated antigen 1 immunodeficiency; LFA 1 immunodeficiency; LEUKOCYTE ADHESION DEFICIENCY, TYPE I. Identifiers: Orphanet 2968, Orphanet 99842, MedGen C0398738, MONDO:0007293, OMIM 116920.

Allele frequency attached by ClinVar (database versions not stated): gnomAD exomes below 0.00001; ExAC 0.00001.
gnomAD v4.1: 6 of 1,613,892 alleles (0.00037%); highest among the groups gnomAD compares: Non-Finnish European, 0.00042%; no homozygotes.

Submissions (2):

Labcorp Genetics (formerly Invitae), Labcorp
Classification: Uncertain significance for Leukocyte adhesion deficiency 1. Last evaluated: 2025-10-02. Review status: criteria provided, single submitter. Criteria: Invitae Variant Classification Sherloc (09022015). Collection method: clinical testing. Allele origin: germline.
Comment: This sequence change replaces valine, which is neutral and non-polar, with leucine, which is neutral and non-polar, at codon 327 of the ITGB2 protein (p.Val327Leu). This variant is present in population databases (rs753051803, gnomAD 0.0009%). This variant has not been reported in the literature in individuals affected with ITGB2-related conditions. ClinVar contains an entry for this variant (Variation ID: 853723). Invitae Evidence Modeling of protein sequence and biophysical properties (such as structural, functional, and spatial information, amino acid conservation, physicochemical variation, residue mobility, and thermodynamic stability) has been performed for this missense variant. However, the output from this modeling did not meet the statistical confidence thresholds required to predict the impact of this variant on ITGB2 protein function. In summary, the available evidence is currently insufficient to determine the role of this variant in disease. Therefore, it has been classified as a Variant of Uncertain Significance.

Ambry Genetics
Classification: Uncertain significance for Inborn genetic diseases. Last evaluated: 2025-04-03. Review status: criteria provided, single submitter. Criteria: Ambry Variant Classification Scheme 2023. Collection method: clinical testing. Allele origin: germline.

NM_000211.5(ITGB2):c.979G>C (p.Val327Leu)

Gene: ITGB2 (integrin subunit beta 2; minus strand). Cytogenetic location: 21q22.3.
Variant type: single nucleotide variant.
Coding change: c.979G>C on transcript NM_000211.5 (MANE Select); coding-DNA position 979, G replaced by C.
Protein change: p.Val327Leu; replaces valine 327 with leucine.
Molecular consequence: missense variant.
Genome position (GRCh38, 1-based): chr21:44,899,081, C>G on the plus strand (G>C on the coding strand, the complement: ITGB2 is on the minus strand). VCF-style: chr21-44899081-C-G. GRCh37 (hg19) VCF-style: chr21-46318996-C-G.
Other names: c.772G>C, p.Val258Leu (NM_001303238.2); c.979G>C, p.Val327Leu (NM_001127491.3); c.979G>C (NM_000211.3); short protein forms V258L, V327L.
Identifiers: ClinVar variation 853723 (VCV000853723.9), dbSNP rs753051803, ClinGen allele CA10062986.